The following is an entry in ClinVar:

ClinVar aggregate classification (germline): Uncertain significance (1 of 4 stars; one submission).

Conditions:
Fanconi anemia complementation group E (FANCE). Also called: FANCE-Related Fanconi Anemia. Identifiers: Orphanet 84, MedGen C3160739, MONDO:0010953, OMIM 600901.

Allele frequency attached by ClinVar (database versions not stated): ExAC 0.00001; gnomAD exomes 0.00001 and 0.00003; gnomAD 0.00003; TOPMed 0.00003; ESP Exome Variant Server 0.00008.

Submission:

Labcorp Genetics (formerly Invitae), Labcorp
Classification: Uncertain significance for Fanconi anemia complementation group E. Last evaluated: 2025-11-20. Review status: criteria provided, single submitter. Criteria: Invitae Variant Classification Sherloc (09022015). Collection method: clinical testing. Allele origin: germline.
Comment: This sequence change replaces alanine, which is neutral and non-polar, with threonine, which is neutral and polar, at codon 153 of the FANCE protein (p.Ala153Thr). This variant is present in population databases (rs151276683, gnomAD 0.003%). This variant has not been reported in the literature in individuals affected with FANCE-related conditions. ClinVar contains an entry for this variant (Variation ID: 539298). Invitae Evidence Modeling of protein sequence and biophysical properties (such as structural, functional, and spatial information, amino acid conservation, physicochemical variation, residue mobility, and thermodynamic stability) indicates that this missense variant is not expected to disrupt FANCE protein function with a negative predictive value of 80%. In summary, the available evidence is currently insufficient to determine the role of this variant in disease. Therefore, it has been classified as a Variant of Uncertain Significance.

NM_021922.3(FANCE):c.457G>A (p.Ala153Thr)

Gene: FANCE (FA complementation group E; plus strand). Cytogenetic location: 6p21.31.
Variant type: single nucleotide variant.
Coding change: c.457G>A on transcript NM_021922.3 (MANE Select); coding-DNA position 457, G replaced by A.
Protein change: p.Ala153Thr; replaces alanine 153 with threonine.
Molecular consequence: missense variant.
Genome position (GRCh38, 1-based): chr6:35,455,955, G>A. VCF-style: chr6-35455955-G-A. GRCh37 (hg19) VCF-style: chr6-35423732-G-A.
Other names: short protein forms A153T.
Identifiers: ClinVar variation 539298 (VCV000539298.6), dbSNP rs151276683, ClinGen allele CA3771412.
Genomic context (GRCh38, chr6:35,455,955, plus strand): 5'-CTCCGTGCCCTGGGGGAATTGCTGCGAAGGGATTTGGGGGTGGGGACCTCCATGGAGGGA[G>A]CTTCTCCACTGTCTGAAAGATGCCAGAGACAGCTCCAAAGTCTATGTAGGGGGCTGGGCC-3'
Protein context (NP_068741.1, residues 143-163): DLGVGTSMEG[Ala153Thr]SPLSERCQRQ